The following is an entry in ClinVar:

ClinVar aggregate classification (germline): Uncertain significance (1 of 4 stars; one submission).

Submission:

GeneDx
Classification: Uncertain significance. Last evaluated: 2025-06-25. Review status: criteria provided, single submitter. Criteria: GeneDx Variant Classification Process June 2021. Collection method: clinical testing. Allele origin: germline. Affected: yes.
Comment: Not observed at significant frequency in large population cohorts (gnomAD); In silico analysis supports that this missense variant has a deleterious effect on protein structure/function; Has not been previously published as pathogenic or benign to our knowledge

NM_004100.5(EYA4):c.1112T>G (p.Val371Gly)

Gene: EYA4 (EYA transcriptional coactivator and phosphatase 4; plus strand). Cytogenetic location: 6q23.2.
Variant type: single nucleotide variant.
Coding change: c.1112T>G on transcript NM_004100.5 (MANE Select); coding-DNA position 1112, T replaced by G.
Protein change: p.Val371Gly; replaces valine 371 with glycine.
Molecular consequence: missense variant.
Genome position (GRCh38, 1-based): chr6:133,483,036, T>G. VCF-style: chr6-133483036-T-G. GRCh37 (hg19) VCF-style: chr6-133804174-T-G.
Other names: c.950T>G, p.Val317Gly (NM_001301012.2); c.1130T>G, p.Val377Gly (NM_001301013.2); c.1043T>G, p.Val348Gly (NM_001370458.1, NM_172103.4); c.968T>G, p.Val323Gly (NM_001370459.1); c.1112T>G, p.Val371Gly (NM_172105.4); short protein forms V317G, V323G, V348G, V371G, V377G.
Identifiers: ClinVar variation 4540061 (VCV004540061.1).